The following is an entry in ClinVar:

ClinVar aggregate classification (germline): Conflicting classifications of pathogenicity. Review status: criteria provided, conflicting classifications (1 of 4 stars). 10 submissions from 10 submitters: Uncertain significance (4); Likely benign (5). 1 of the submissions does not count toward it. Last evaluated 2026-02-03.

Conditions:
Hereditary cancer-predisposing syndrome. Also called: Hereditary Cancer Syndrome; Tumor predisposition; Neoplastic Syndromes, Hereditary; Hereditary neoplastic syndrome. Identifiers: Orphanet 140162, MedGen C0027672, MeSH D009386, MONDO:0015356.
Hereditary breast ovarian cancer syndrome. Also called: Breast and ovarian cancer; BRCA1- and BRCA2-Associated Hereditary Breast and Ovarian Cancer; Hereditary breast and ovarian cancer; Hereditary breast and ovarian cancer syndrome (HBOC); Hereditary breast and ovarian cancer syndrome; Hereditary breast and/or ovarian cancer syndrome. Identifiers: Orphanet 145, MedGen C0677776, MeSH D061325, MONDO:0003582. Disease mechanism: loss of function.
Breast-ovarian cancer, familial, susceptibility to, 1 (BROVCA1). Also called: BRCA1 Hereditary Breast and Ovarian Cancer; OVARIAN CANCER, SUSCEPTIBILITY TO. Identifiers: Orphanet 145, MedGen C2676676, MONDO:0011450, OMIM 604370. Disease mechanism: loss of function.

Allele frequency attached by ClinVar (database versions not stated): gnomAD 0.00001; gnomAD exomes 0.00001; TOPMed 0.00001; ExAC 0.00002.
gnomAD v4.1: 14 of 1,613,964 alleles (0.00087%); highest among the groups gnomAD compares: East Asian, 0.016%; no homozygotes.

Submissions (10):

Labcorp Genetics (formerly Invitae), Labcorp
Classification: Likely benign for Hereditary breast ovarian cancer syndrome. Last evaluated: 2026-02-03. Review status: criteria provided, single submitter. Criteria: Invitae Variant Classification Sherloc (09022015). Collection method: clinical testing. Allele origin: germline.

Quest Diagnostics Nichols Institute San Juan Capistrano
Classification: Uncertain significance. Last evaluated: 2025-10-27. Review status: criteria provided, single submitter. Criteria: Quest Diagnostics criteria. Collection method: clinical testing. Allele origin: unknown.
Comment: The BRCA1 c.1879G>A (p.Val627Ile) variant has been reported in the published literature in individuals with breast and/or ovarian cancer (PMID: 30287823 (2018), 29176636 (2018), 18559594 (2008)), prostate cancer (PMID: 31214711 (2020)), and reportedly unaffected individuals (PMID: 31214711 (2020), 30287823 (2018)). In a large scale breast cancer association study, this variant has been observed in breast cancer cases and reportedly unaffected individuals (PMID: 33471991 (2021), see also LOVD). A functional study demonstrated that this variant had a damaging effect on protein function, however additional studies are needed to determine the global effect of this variant on protein function (PMID: 37731132 (2023)). This variant was reported as being likely benign in a multifactorial likelihood study (PMID: 31131967 (2019)) and has also been described to be located in a region of the BRCA1 gene that is tolerant to missense sequence changes (PMID: 31911673 (2020)). The frequency of this variant in the general population (Genome Aggregation Database) is uninformative in the assessment of its pathogenicity. Analysis of this variant using bioinformatics tools for the prediction of the effect of amino acid changes on protein structure and function yielded conflicting predictions that this variant is benign or damaging. Based on the available information, we are unable to determine the clinical significance of this variant.

Center for Genomic Medicine, Rigshospitalet, Copenhagen University Hospital
Classification: Likely benign. Last evaluated: 2025-03-04. Review status: criteria provided, single submitter. Criteria: ACMG Guidelines, 2015. Collection method: clinical testing. Allele origin: germline.

CeGaT Center for Human Genetics Tuebingen
Classification: Uncertain significance. Last evaluated: 2024-12-01. Review status: criteria provided, single submitter. Criteria: CeGaT Center For Human Genetics Tuebingen Variant Classification Criteria Version 2. Collection method: clinical testing. Allele origin: germline. Affected: yes. Observed: 1 variant allele.

Ambry Genetics
Classification: Uncertain significance for Hereditary cancer-predisposing syndrome. Last evaluated: 2024-11-19. Review status: criteria provided, single submitter. Criteria: Ambry Variant Classification Scheme 2023. Collection method: clinical testing. Allele origin: germline.
Comment: The p.V627I variant (also known as c.1879G>A), located in coding exon 9 of the BRCA1 gene, results from a G to A substitution at nucleotide position 1879. The valine at codon 627 is replaced by isoleucine, an amino acid with highly similar properties. This alteration was identified in an individual diagnosed with ovarian cancer (Soegaard M et al. Clin Cancer Res, 2008 Jun;14:3761-7). This alteration has also been identified in 1/830 Japanese families who underwent BRCA1/2 testing (Arai M et al. J. Hum. Genet. 2018 Apr;63:447-457). This alteration was observed in with an allele frequency of 0.00071 in 7,051 unselected female breast cancer patients and was observed with an allele frequency of 0.00071 in 11,241 female controls of Japanese ancestry. In addition, it was not observed in unselected male breast cancer patients and was observed with an allele frequency of 0.0005 in 12490 male controls of Japanese ancestry (Momozawa Y et al. Nat Commun. 2018 10;9:4083). This alteration has also been reported with a carrier frequency of 0.00026 in 7636 unselected prostate cancer patients and 0.00049 in 12366 male controls of Japanese ancestry (Momozawa Y et al. J Natl Cancer Inst, 2020 04;112:369-376). In a study of whole-exome sequencing in patients with features of Cowden syndrome (CS) or Bannayan-Riley-Ruvalcaba syndrome (BRRS) and negative PTEN testing, this alteration was identified in 0/87 patients with CS or BRRS and 1/3476 patients from The Cancer Genome Atlas (TCGA) (Yehia L et al. PLoS Genet. 2018 04;14:e1007352). Of note, this alteration is also known as 1998G>A in published literature. This amino acid position is well conserved in available vertebrate species. In addition, the in silico prediction for this alteration is inconclusive. Since supporting evidence is limited at this time, the clinical significance of this alteration remains unclear.

Color Diagnostics, LLC DBA Color Health
Classification: Likely benign for Hereditary cancer-predisposing syndrome. Last evaluated: 2024-09-17. Review status: criteria provided, single submitter. Criteria: ACMG Guidelines, 2015. Collection method: clinical testing. Allele origin: germline.

University of Washington Department of Laboratory Medicine, University of Washington
Classification: Likely benign for Hereditary cancer-predisposing syndrome. Last evaluated: 2023-03-23. Review status: criteria provided, single submitter. Criteria: Dines et al. (Genet Med. 2020). Collection method: curation. Allele origin: germline.
Comment: Missense variant in a coldspot region where missense variants are very unlikely to be pathogenic (PMID:31911673).

BRCA1 coldspot (exon 11 using historical exon numbering). Reclassification based on statistical prior probability

GeneDx
Classification: Likely benign. Last evaluated: 2020-11-06. Review status: criteria provided, single submitter. Criteria: GeneDx Variant Classification Process June 2021. Collection method: clinical testing. Allele origin: germline. Affected: yes.
Comment: Not observed at a significant frequency in large population cohorts (Lek 2016); In silico analysis supports that this missense variant does not alter protein structure/function; This variant is associated with the following publications: (PMID: 18559594, 29168416, 15235020, 30287823, 29176636, 31131967, 32546644, 33087888)

Illumina Laboratory Services, Illumina
Classification: Uncertain significance for Breast-ovarian cancer, familial, susceptibility to, 1. Last evaluated: 2018-01-12. Review status: criteria provided, single submitter. Criteria: ICSL Variant Classification Criteria 13 December 2019. Collection method: clinical testing. Allele origin: germline.

Breast Cancer Information Core (BIC) (BRCA1)
Classification: Uncertain significance for Breast-ovarian cancer, familial 1. Last evaluated: 2004-02-20. Review status: no assertion criteria provided. Collection method: clinical testing. Allele origin: germline. Affected: yes. Observed: 2 variant alleles. Not counted in ClinVar's aggregate classification.

Literature cited by the submitters: PubMed 33471991 (cited by Quest Diagnostics Nichols Institute San Juan Capistrano); PubMed 30287823 (cited by Quest Diagnostics Nichols Institute San Juan Capistrano and Ambry Genetics); PubMed 18559594 (cited by Quest Diagnostics Nichols Institute San Juan Capistrano and Ambry Genetics); PubMed 29176636 (cited by Quest Diagnostics Nichols Institute San Juan Capistrano and Ambry Genetics); PubMed 31911673 (cited by Quest Diagnostics Nichols Institute San Juan Capistrano); PubMed 31214711 (cited by Quest Diagnostics Nichols Institute San Juan Capistrano and Ambry Genetics); PubMed 37731132 (cited by Quest Diagnostics Nichols Institute San Juan Capistrano); PubMed 31131967 (cited by Quest Diagnostics Nichols Institute San Juan Capistrano); PubMed 29684080 (cited by Ambry Genetics).

NM_007294.4(BRCA1):c.1879G>A (p.Val627Ile)

Gene: BRCA1 (BRCA1 DNA repair associated; minus strand). Cytogenetic location: 17q21.31.
Variant type: single nucleotide variant.
Coding change: c.1879G>A on transcript NM_007294.4 (MANE Select); coding-DNA position 1879, G replaced by A.
Protein change: p.Val627Ile; replaces valine 627 with isoleucine.
Molecular consequence: missense variant. On other transcripts: intron variant (137).
Genome position (GRCh38, 1-based): chr17:43,093,652, C>T on the plus strand (G>A on the coding strand, the complement: BRCA1 is on the minus strand). VCF-style: chr17-43093652-C-T. GRCh37 (hg19) VCF-style: chr17-41245669-C-T.
Other names: c.1666G>A, p.Val556Ile (NM_001407916.1, NM_001407917.1, NM_001407918.1 and 9 more transcripts); c.1756G>A, p.Val586Ile (NM_001407919.1, NM_001407937.1, NM_001407938.1 and 19 more transcripts); c.1615G>A, p.Val539Ile (NM_001407920.1, NM_001407921.1, NM_001407922.1 and 9 more transcripts); c.1612G>A, p.Val538Ile (NM_001407936.1, NM_001407930.1, NM_001407931.1 and 2 more transcripts); c.1753G>A, p.Val585Ile (NM_001407940.1, NM_001407941.1, NM_001407685.1 and 11 more transcripts); c.1738G>A, p.Val580Ile (NM_001407942.1, NM_007297.4, NM_001407724.1 and 29 more transcripts); c.1735G>A, p.Val579Ile (NM_001407943.1, NM_001407964.1, NM_001407743.1 and 20 more transcripts); c.1543G>A, p.Val515Ile (NM_001407954.1, NM_001407955.1, NM_001407956.1 and 1 more transcripts); and 40 more; short protein forms V627I, V580I, V515I, V600I, V516I, V539I, V557I, V559I.
Identifiers: ClinVar variation 54377 (VCV000054377.48), dbSNP rs80357425, ClinGen allele CA001220.
Genomic context (GRCh38, chr17:43,093,652, plus strand): 5'-TGCTAGAACAACTATCAATTTGCAATTCAGTACAATTAGGTGGGCTTAGATTTCTACTGA[C>T]TACTAGTTCAAGCGCATGAATATGCCTGGTAGAAGACTTCCTCCTCAGCCTATTCTTTTT-3'
Protein context (NP_009225.1, residues 617-637): TRHIHALELV[Val627Ile]SRNLSPPNCT